The following is an entry in ClinVar:

ClinVar aggregate classification (germline): Uncertain significance (1 of 4 stars; one submission).

Conditions:
Arrhythmogenic right ventricular dysplasia 10. Also called: ARRHYTHMOGENIC RIGHT VENTRICULAR DYSPLASIA, FAMILIAL, 10; Arrhythmogenic Right Ventricular Dysplasia/Cardiomyopathy10; Arrhythmogenic right ventricular dysplasia/cardiomyopathy, type 10. Identifiers: MedGen C1857777, MONDO:0012434, OMIM 610193.

Allele frequency attached by ClinVar (database versions not stated): gnomAD 0.00001; TOPMed below 0.00001.
gnomAD v4.1: 1 of 1,613,758 alleles (0.000062%); highest among the groups gnomAD compares: Non-Finnish European, 0.000085%; no homozygotes.

Submission:

Labcorp Genetics (formerly Invitae), Labcorp
Classification: Uncertain significance for Arrhythmogenic right ventricular dysplasia 10. Last evaluated: 2023-07-22. Review status: criteria provided, single submitter. Criteria: Invitae Variant Classification Sherloc (09022015). Collection method: clinical testing. Allele origin: germline.
Comment: This variant has not been reported in the literature in individuals affected with DSG2-related conditions. In summary, the available evidence is currently insufficient to determine the role of this variant in disease. Therefore, it has been classified as a Variant of Uncertain Significance. Advanced modeling of protein sequence and biophysical properties (such as structural, functional, and spatial information, amino acid conservation, physicochemical variation, residue mobility, and thermodynamic stability) has been performed at Invitae for this missense variant, however the output from this modeling did not meet the statistical confidence thresholds required to predict the impact of this variant on DSG2 protein function. ClinVar contains an entry for this variant (Variation ID: 222561). This variant is not present in population databases (gnomAD no frequency). This sequence change replaces glycine, which is neutral and non-polar, with glutamic acid, which is acidic and polar, at codon 218 of the DSG2 protein (p.Gly218Glu).

NM_001943.5(DSG2):c.653G>A (p.Gly218Glu)

Gene: DSG2 (desmoglein 2; plus strand). Cytogenetic location: 18q12.1.
Variant type: single nucleotide variant.
Coding change: c.653G>A on transcript NM_001943.5 (MANE Select); coding-DNA position 653, G replaced by A.
Protein change: p.Gly218Glu; replaces glycine 218 with glutamic acid.
Molecular consequence: missense variant.
Genome position (GRCh38, 1-based): chr18:31,522,212, G>A. VCF-style: chr18-31522212-G-A. GRCh37 (hg19) VCF-style: chr18-29102175-G-A.
Other names: c.653G>A (LRG_397t1); short protein forms G218E.
Identifiers: ClinVar variation 222561 (VCV000222561.4), dbSNP rs794728082, ClinGen allele CA354016.